The following is an entry in ClinVar:

ClinVar aggregate classification (germline): Conflicting classifications of pathogenicity. Review status: criteria provided, conflicting classifications (1 of 4 stars). 2 submissions from 2 submitters: Uncertain significance (1); Benign (1). Last evaluated 2026-05-31.

Conditions:
Hereditary cancer-predisposing syndrome. Also called: Hereditary neoplastic syndrome; Neoplastic Syndromes, Hereditary; Tumor predisposition; Hereditary Cancer Syndrome. Identifiers: Orphanet 140162, MedGen C0027672, MeSH D009386, MONDO:0015356.
BAP1-related tumor predisposition syndrome (TPDS1). Also called: TUMOR PREDISPOSITION SYNDROME 1; BAP1 tumor predisposition syndrome; COMMON Syndrome; Tumor susceptibility linked to germline BAP1 mutations. Identifiers: Orphanet 289539, MedGen C3280492, MONDO:0013692, OMIM 614327.

Submissions (2):

Ambry Genetics
Classification: Benign for Hereditary cancer-predisposing syndrome. Last evaluated: 2026-05-31. Review status: criteria provided, single submitter. Criteria: Ambry Variant Classification Scheme 2023. Collection method: clinical testing. Allele origin: germline.

Labcorp Genetics (formerly Invitae), Labcorp
Classification: Uncertain significance for BAP1-related tumor predisposition syndrome. Last evaluated: 2023-01-19. Review status: criteria provided, single submitter. Criteria: Invitae Variant Classification Sherloc (09022015). Collection method: clinical testing. Allele origin: germline.
Comment: In summary, the available evidence is currently insufficient to determine the role of this variant in disease. Therefore, it has been classified as a Variant of Uncertain Significance. Advanced modeling of protein sequence and biophysical properties (such as structural, functional, and spatial information, amino acid conservation, physicochemical variation, residue mobility, and thermodynamic stability) performed at Invitae indicates that this missense variant is not expected to disrupt BAP1 protein function. This variant has not been reported in the literature in individuals affected with BAP1-related conditions. This variant is not present in population databases (gnomAD no frequency). This sequence change replaces glutamic acid, which is acidic and polar, with aspartic acid, which is acidic and polar, at codon 398 of the BAP1 protein (p.Glu398Asp).

Literature cited by the submitters: PubMed 38969833 (cited by Ambry Genetics).

NM_004656.4(BAP1):c.1194G>T (p.Glu398Asp)

Gene: BAP1 (BRCA1 associated deubiquitinase 1; minus strand). Cytogenetic location: 3p21.1.
Variant type: single nucleotide variant.
Coding change: c.1194G>T on transcript NM_004656.4 (MANE Select); coding-DNA position 1194, G replaced by T.
Protein change: p.Glu398Asp; replaces glutamic acid 398 with aspartic acid.
Molecular consequence: missense variant.
Genome position (GRCh38, 1-based): chr3:52,404,509, C>A on the plus strand (G>T on the coding strand, the complement: BAP1 is on the minus strand). VCF-style: chr3-52404509-C-A. GRCh37 (hg19) VCF-style: chr3-52438525-C-A.
Other names: c.1140G>T, p.Glu380Asp (NM_001410772.1); short protein forms E398D, E380D.
Identifiers: ClinVar variation 2830040 (VCV002830040.4), dbSNP rs2153226853, ClinGen allele CA353103041.